The following is an entry in ClinVar:

NM_000478.6(ALPL):c.392del (p.Ser131fs)

Gene: ALPL (alkaline phosphatase, biomineralization associated; plus strand). Cytogenetic location: 1p36.12.
Variant type: Deletion.
Coding change: c.392del on transcript NM_000478.6 (MANE Select); coding-DNA position 392, one base deleted (G; older notation c.392delG).
Protein change: p.Ser131fs; shifts the reading frame from serine 131.
Molecular consequence: frameshift variant.
Genome position (GRCh38, 1-based): chr1:21,563,204, G deleted. VCF-style (leftmost placement, unchanged base first): chr1-21563203-AG-A. GRCh37 (hg19) VCF-style: chr1-21889696-AG-A.
Other names: c.227del, p.Ser76fs (NM_001127501.4); c.161del, p.Ser54fs (NM_001177520.3); c.392del, p.Ser131fs (NM_001369803.2, NM_001369804.2, NM_001369805.2); c.392del (NM_000478.4); c.392delG (NM_000478.4); short protein forms S131fs, S76fs, S54fs.
Identifiers: ClinVar variation 558430 (VCV000558430.14), dbSNP rs1553412310, ClinGen allele CA658820985.

ClinVar aggregate classification (germline): Pathogenic. Review status: criteria provided, multiple submitters, no conflicts (2 of 4 stars). 5 submissions from 5 submitters: Pathogenic (4). 1 of the submissions does not count toward it. Last evaluated 2026-09-01.

Conditions:
Hypophosphatasia. Also called: Phosphoethanol-aminuria. Identifiers: Orphanet 436, MedGen C0020630, MeSH D007014, MONDO:0018570.
Infantile hypophosphatasia. Identifiers: Orphanet 247651, Orphanet 436, MedGen C0268412, MONDO:1010169, OMIM 241500, MONDO:0009427.

Submissions (5):

Genomenon, Inc
Classification: Pathogenic for Hypophosphatasia. Last evaluated: 2026-09-01. Review status: criteria provided, single submitter. Criteria: Genomenon Sequence Variant Interpretation Standards - Updated. Collection method: curation. Allele origin: germline. Affected: yes.
Comment: ALPL p.Ser131ThrfsTer34 (c.392del) is a frameshift variant that is predicted to introduce a premature termination codon and result in a truncated or absent protein product. This variant has been observed in at least one proband affected with an ALPL-related disorder (PMID:11855933). It is absent or not present at a significant frequency in gnomAD. In conclusion, we classify ALPL p.Ser131ThrfsTer34 (c.392del) as a pathogenic variant.

Revvity Omics, Revvity
Classification: Pathogenic. Last evaluated: 2024-10-16. Review status: criteria provided, single submitter. Criteria: ACMG Guidelines, 2015. Collection method: clinical testing. Allele origin: germline.

GeneDx
Classification: Pathogenic. Last evaluated: 2023-11-09. Review status: criteria provided, single submitter. Criteria: GeneDx Variant Classification Process June 2021. Collection method: clinical testing. Allele origin: germline. Affected: yes.
Comment: Frameshift variant predicted to result in protein truncation or nonsense mediated decay in a gene for which loss-of-function is a known mechanism of disease; Not observed at significant frequency in large population cohorts (gnomAD); This variant is associated with the following publications: (PMID: 11855933)

Labcorp Genetics (formerly Invitae), Labcorp
Classification: Pathogenic. Last evaluated: 2023-07-19. Review status: criteria provided, single submitter. Criteria: Invitae Variant Classification Sherloc (09022015). Collection method: clinical testing. Allele origin: germline.
Comment: ClinVar contains an entry for this variant (Variation ID: 558430). For these reasons, this variant has been classified as Pathogenic. This premature translational stop signal has been observed in individual(s) with hypophastasia (PMID: 11855933). This sequence change creates a premature translational stop signal (p.Ser131Thrfs*34) in the ALPL gene. It is expected to result in an absent or disrupted protein product. Loss-of-function variants in ALPL are known to be pathogenic (PMID: 3174660, 10679946, 32973344, 33814268). This variant is not present in population databases (gnomAD no frequency).

Counsyl
Classification: Likely pathogenic for Infantile hypophosphatasia. Last evaluated: 2018-05-22. Review status: no assertion criteria provided. Collection method: clinical testing. Allele origin: unknown. Not counted in ClinVar's aggregate classification.

Literature cited by the submitters: PubMed 11855933 (cited by 3 submitters); PubMed 3174660 (cited by Labcorp Genetics (formerly Invitae), Labcorp); PubMed 10679946 (cited by Labcorp Genetics (formerly Invitae), Labcorp); PubMed 32973344 (cited by Labcorp Genetics (formerly Invitae), Labcorp); PubMed 33814268 (cited by Labcorp Genetics (formerly Invitae), Labcorp).